The following is an entry in ClinVar:

NM_005267.5(GJA8):c.281G>A (p.Gly94Glu)

Gene: GJA8 (gap junction protein alpha 8; plus strand). Cytogenetic location: 1q21.2.
Variant type: single nucleotide variant.
Coding change: c.281G>A on transcript NM_005267.5 (MANE Select); coding-DNA position 281, G replaced by A.
Protein change: p.Gly94Glu; replaces glycine 94 with glutamic acid.
Molecular consequence: missense variant.
Genome position (GRCh38, 1-based): chr1:147,908,236, G>A. VCF-style: chr1-147908236-G-A. GRCh37 (hg19) VCF-style: chr1-147380363-G-A.
Other names: short protein forms G94E.
Identifiers: ClinVar variation 932286 (VCV000932286.7), dbSNP rs1651887603, ClinGen allele CA342223812.
Genomic context (GRCh38, chr1:147,908,236, plus strand): 5'-ACATTCGCCTCTGGGTGCTGCAGATCATCTTCGTCTCCACCCCGTCCCTGATGTACGTGG[G>A]GCACGCGGTGCACTACGTCCGCATGGAGGAGAAGCGCAAAAGCCGCGAGGCGGAGGAGCT-3'
Protein context (NP_005258.2, residues 84-104): FVSTPSLMYV[Gly94Glu]HAVHYVRMEE

ClinVar aggregate classification (germline): Conflicting classifications of pathogenicity. Review status: criteria provided, conflicting classifications (1 of 4 stars). 4 submissions from 4 submitters: Pathogenic (2); Uncertain significance (1). 1 of the submissions does not count toward it. Last evaluated 2025-02-18.

Conditions:
Anterior segment dysgenesis. Also called: Ocular anterior segment dysgenesis. Identifiers: Orphanet 88632, MedGen C1862839, MONDO:0019503, HP:0007700.
Cataract 1 multiple types. Also called: CATARACT 1, MULTIPLE TYPES, WITH OR WITHOUT MICROCORNEA; CATARACT, DUFFY-LINKED; CATARACT 1, NUCLEAR PROGRESSIVE; CATARACT 1 WITH MICROCORNEA; CATARACT 1, POSTERIOR SUBCAPSULAR, WITH MICROCORNEA; CATARACT 1, STELLATE NUCLEAR, WITH MICROCORNEA. Identifiers: Orphanet 1377, MedGen C1861828, MONDO:0007285, OMIM 116200.

Allele frequency attached by ClinVar (database versions not stated): gnomAD exomes below 0.00001.
gnomAD v4.1: 1 of 1,614,188 alleles (0.000062%); highest among the groups gnomAD compares: Non-Finnish European, 0.000085%; no homozygotes.

Submissions (4):

Molecular Genetics of Human Eye Development, Oxford Brookes University
Classification: Pathogenic for Cataract 1 multiple types. Last evaluated: 2025-02-18. Review status: criteria provided, single submitter. Criteria: ACMG Guidelines, 2015. Collection method: clinical testing. Allele origin: inherited. Affected: yes. Observed: 3 variant alleles.
Comment: The GJA8 c.281G>A; p.(Gly94Glu) variant was identified in a family with three individuals displaying bilateral congenital cataract and microphthalmia. The variant is absent in genomic databases, including gnomAD v4.1, and predicted deleterious/damaging by several in silico prediction tools including SIFT, PolyPhen and AlphaMissense. The variant has been previously reported in patients with congenital eye anomalies (PMID: 28455998; PMID: 35980487). The variant is classified pathogenic using PS1, PS3, PM1, PP1, PP3.

Dept. Genetics and Cancer, Menzies Institute for Medical Research, University of Tasmania
Classification: Uncertain significance for Cataract 1 multiple types. Last evaluated: 2023-01-21. Review status: criteria provided, single submitter. Criteria: ACMG Guidelines, 2015. Collection method: curation. Allele origin: germline.
Comment: Variant identified and curated during a GJA8 specific review of the literature in relation to pediatric or congenital cataract. ACMG-AMP criteria applied: PS4(Supporting), PM2(Supporting), PP3. Original variant report: PMID:28455998;32499604;35980487. Proband reported with this variant has disc like lens and sclerocornea; another proband is reported with microphthalmia, sunken eyeballs and narrow palpebral fissures. Gene review and curation guidelines are outlined in: DOI 10.1080/17469899.2023.2160320

GeneDx
Classification: Pathogenic. Last evaluated: 2020-01-27. Review status: criteria provided, single submitter. Criteria: GeneDx Variant Classification Process June 2021. Collection method: clinical testing. Allele origin: germline. Affected: yes.
Comment: Not observed in large population cohorts (Lek et al., 2016); In silico analysis, which includes protein predictors and evolutionary conservation, supports a deleterious effect; This variant is associated with the following publications: (PMID: 30762128, 28455998, 29464339, 32499604)

Eye Genetics Research Group, Children's Medical Research Institute
Classification: Likely pathogenic for Anterior segment dysgenesis. Last evaluated: 2020-03-31. Review status: no assertion criteria provided. Collection method: clinical testing. Allele origin: de novo. Affected: yes. Not counted in ClinVar's aggregate classification.

Literature cited by the submitters: PubMed 35980487 (cited by Molecular Genetics of Human Eye Development, Oxford Brookes University and Dept. Genetics and Cancer, Menzies Institute for Medical Research, University of Tasmania); PubMed 28455998 (cited by Dept. Genetics and Cancer, Menzies Institute for Medical Research, University of Tasmania); PubMed 32499604 (cited by Dept. Genetics and Cancer, Menzies Institute for Medical Research, University of Tasmania and Eye Genetics Research Group, Children's Medical Research Institute).